The following is an entry in ClinVar:

ClinVar aggregate classification (germline): Uncertain significance (1 of 4 stars; one submission).

Conditions:
Inborn genetic diseases. Identifiers: MedGen C0950123, MeSH D030342.

Submission:

Ambry Genetics
Classification: Uncertain significance for Inborn genetic diseases. Last evaluated: 2025-05-19. Review status: criteria provided, single submitter. Criteria: Ambry Variant Classification Scheme 2023. Collection method: clinical testing. Allele origin: germline.
Comment: The p.P349S variant (also known as c.1045C>T), located in coding exon 9 of the PAX5 gene, results from a C to T substitution at nucleotide position 1045. The proline at codon 349 is replaced by serine, an amino acid with similar properties. This amino acid position is conserved. In addition, the in silico prediction for this alteration is inconclusive. Based on the available evidence, the clinical significance of this variant remains unclear.

NM_016734.3(PAX5):c.1045C>T (p.Pro349Ser)

Gene: PAX5 (paired box 5; minus strand). Cytogenetic location: 9p13.2.
Variant type: single nucleotide variant.
Coding change: c.1045C>T on transcript NM_016734.3 (MANE Select); coding-DNA position 1045, C replaced by T.
Protein change: p.Pro349Ser; replaces proline 349 with serine.
Molecular consequence: missense variant. On other transcripts: synonymous variant (1), non-coding transcript variant (2), intron variant (5).
Genome position (GRCh38, 1-based): chr9:36,846,897, G>A on the plus strand (C>T on the coding strand, the complement: PAX5 is on the minus strand). VCF-style: chr9-36846897-G-A. GRCh37 (hg19) VCF-style: chr9-36846894-G-A.
Other names: c.943C>T, p.Pro315Ser (NM_001280547.2); c.813C>T, p.Thr271= (NM_001280549.2); c.916C>T, p.Pro306Ser (NM_001280554.2); c.745C>T, p.Pro249Ser (NM_001280555.2); c.721C>T, p.Pro241Ser (NM_001280556.2); c.587-6261C>T (NM_001280551.2); c.884-6261C>T (NM_001280553.2); c.781-6261C>T (NM_001280550.2); and 2 more; short protein forms P241S, P306S, P249S, P315S, P349S.
Identifiers: ClinVar variation 3928331 (VCV003928331.1).